The following is an entry in ClinVar:

ClinVar aggregate classification (germline): Likely benign. Review status: criteria provided, multiple submitters, no conflicts (2 of 4 stars). 2 submissions from 2 submitters: Likely benign (2). Last evaluated 2025-07-23.

Conditions:
Agammaglobulinemia 2, autosomal recessive (AGM2). Also called: AGAMMAGLOBULINEMIA, AUTOSOMAL RECESSIVE, DUE TO IGLL1 DEFECT. Identifiers: MedGen C3150750, MONDO:0013287, OMIM 613500.

Allele frequency attached by ClinVar (database versions not stated): TOPMed below 0.00001.
gnomAD v4.1: 5 of 1,614,106 alleles (0.00031%); highest among the groups gnomAD compares: African/African-American, 0.0013%; no homozygotes.

Submissions (2):

Labcorp Genetics (formerly Invitae), Labcorp
Classification: Likely benign for Agammaglobulinemia 2, autosomal recessive. Last evaluated: 2025-07-23. Review status: criteria provided, single submitter. Criteria: Invitae Variant Classification Sherloc (09022015). Collection method: clinical testing. Allele origin: germline.

CeGaT Center for Human Genetics Tuebingen
Classification: Likely benign. Last evaluated: 2024-01-01. Review status: criteria provided, single submitter. Criteria: CeGaT Center For Human Genetics Tuebingen Variant Classification Criteria Version 2. Collection method: clinical testing. Allele origin: germline. Affected: yes. Observed: 1 variant allele.
Comment: IGLL1: BP4, BP7

NM_020070.4(IGLL1):c.519C>T (p.Tyr173=)

Gene: IGLL1 (immunoglobulin lambda like polypeptide 1; minus strand). Cytogenetic location: 22q11.23.
Variant type: single nucleotide variant.
Coding change: c.519C>T on transcript NM_020070.4 (MANE Select); coding-DNA position 519, C replaced by T.
Protein change: p.Tyr173=; no amino-acid change (tyrosine 173 retained).
Molecular consequence: synonymous variant. On other transcripts: 3 prime UTR variant (1).
Genome position (GRCh38, 1-based): chr22:23,573,389, G>A on the plus strand (C>T on the coding strand, the complement: IGLL1 is on the minus strand). VCF-style: chr22-23573389-G-A. GRCh37 (hg19) VCF-style: chr22-23915576-G-A.
Other names: c.522C>T, p.Tyr174= (NM_001369906.1); c.*148C>T (NM_152855.3).
Identifiers: ClinVar variation 2989147 (VCV002989147.25), dbSNP rs1161500544, ClinGen allele CA513685797.